The following is an entry in ClinVar:

ClinVar aggregate classification (germline): Uncertain significance. Review status: criteria provided, multiple submitters, no conflicts (2 of 4 stars). 3 submissions from 3 submitters: Uncertain significance (2). 1 of the submissions does not count toward it. Last evaluated 2025-07-31.

Conditions:
TGFB3-related disorder. Also called: TGFB3-related condition.
Rienhoff syndrome. Also called: LOEYS-DIETZ SYNDROME 5. Identifiers: MedGen C3810012, MONDO:0014262, OMIM 615582.
Arrhythmogenic right ventricular dysplasia 1. Identifiers: Orphanet 3403, MedGen C1862511, MONDO:0007152, OMIM 107970.

Allele frequency attached by ClinVar (database versions not stated): gnomAD 0.00001; TOPMed 0.00001; gnomAD exomes 0.00002.
gnomAD v4.1: 2 of 206,464 alleles (0.00097%); highest among the groups gnomAD compares: East Asian, 0.011%; no homozygotes.

Submissions (3):

PreventionGenetics, part of Exact Sciences
Classification: Uncertain significance for TGFB3-related condition. Last evaluated: 2025-07-31. Review status: criteria provided, single submitter. Criteria: ACMG Guidelines, 2015. Collection method: clinical testing. Allele origin: germline.
Comment: The TGFB3 c.*495C>T variant is located in the 3' untranslated region. This variant has been reported in an individual with arrhythmogenic right ventricular cardiomyopathy (referred to as c.1723C>T, Beffagna et al. 2005. PubMed ID: 15639475). This variant has not been reported in a large population database (gnomAD); however, the coverage of this variant should be interpreted with caution. At this time, the clinical significance of this variant is uncertain due to the absence of conclusive functional and genetic evidence.

Labcorp Genetics (formerly Invitae), Labcorp
Classification: Uncertain significance for Rienhoff syndrome. Last evaluated: 2021-08-13. Review status: criteria provided, single submitter. Criteria: Invitae Variant Classification Sherloc (09022015). Collection method: clinical testing. Allele origin: germline.
Comment: This variant occurs in a non-coding region of the TGFB3 gene. It does not change the encoded amino acid sequence of the TGFB3 protein. The frequency data for this variant in the population databases is considered unreliable, as metrics indicate insufficient coverage at this position in the ExAC database. This variant has been observed in individual(s) with TGFB3-related conditions (PMID: 15639475; Invitae). This variant is also known as c.1723C>T. ClinVar contains an entry for this variant (Variation ID: 12475). Algorithms developed to predict the effect of variants on protein structure and function are not available or were not evaluated for this variant. Experimental studies are conflicting or provide insufficient evidence to determine the effect of this variant on TGFB3 function (PMID: 15639475). In summary, the available evidence is currently insufficient to determine the role of this variant in disease. Therefore, it has been classified as a Variant of Uncertain Significance.

OMIM
Classification: Pathogenic for ARRHYTHMOGENIC RIGHT VENTRICULAR DYSPLASIA 1. Last evaluated: 2005-02-01. Review status: no assertion criteria provided. Collection method: literature only. Allele origin: germline. Not counted in ClinVar's aggregate classification.

Literature cited by the submitters: PubMed 15639475 (cited by Labcorp Genetics (formerly Invitae), Labcorp and OMIM).

NM_003239.5(TGFB3):c.*495C>T

Gene: TGFB3 (transforming growth factor beta 3; minus strand). Cytogenetic location: 14q24.3.
Variant type: single nucleotide variant.
Coding change: c.*495C>T on transcript NM_003239.5 (MANE Select); 495 bases downstream of the stop codon, C replaced by T.
Molecular consequence: 3 prime UTR variant.
Genome position (GRCh38, 1-based): chr14:75,958,692, G>A on the plus strand (C>T on the coding strand, the complement: TGFB3 is on the minus strand). VCF-style: chr14-75958692-G-A. GRCh37 (hg19) VCF-style: chr14-76425035-G-A.
Other names: c.*495C>T (NM_003239.4, NM_001329939.2).
Identifiers: ClinVar variation 12475 (VCV000012475.9), dbSNP rs387906514, ClinGen allele CA256457.
Genomic context (GRCh38, chr14:75,958,692, plus strand): 5'-AGTAATAGATTTGCCCTTAATCCCAGACAGTATGAGATACAATTCTGGGACTTTGTCTTC[G>A]TAACCTGTCTTTAAAAAAAAAAAAAAAATGCTTGCCTTGTATAACATAATCCAGATTCCC-3'